The following is an entry in ClinVar:

ClinVar aggregate classification (germline): Pathogenic. Review status: criteria provided, multiple submitters, no conflicts (2 of 4 stars). 12 submissions from 12 submitters: Pathogenic (11). 1 of the submissions does not count toward it. Last evaluated 2026-05-14.

Conditions:
CHD2-related disorder. Also called: CHD2-related condition.
Complex neurodevelopmental disorder. Identifiers: Orphanet 528084, MedGen C5568766, MONDO:0100038.
CHD2-related epilepsy/NDD.
Developmental and epileptic encephalopathy 94 (DEE94). Also called: Epileptic encephalopathy, childhood-onset; CHD2-Related Neurodevelopmental Disorders. Identifiers: Orphanet 1942, Orphanet 2382, MedGen C3809278, MONDO:0014150, OMIM 615369.
Autistic behavior. Identifiers: MedGen C0856975, HP:0000729.
Seizure. Also called: Seizures. Identifiers: MedGen C0036572, HP:0001250.

Submissions (12):

PreventionGenetics, part of Exact Sciences
Classification: Pathogenic for CHD2-related condition. Last evaluated: 2026-05-14. Review status: criteria provided, single submitter. Criteria: ACMG Guidelines, 2015. Collection method: clinical testing. Allele origin: germline.
Comment: The CHD2 c.4173dupA variant is predicted to result in a frameshift and premature protein termination (p.Gln1392Thrfs*17). This variant has been reported de novo in individuals with CDH2-related epilepsy (see for example, Lund et al. 2014. PubMed ID: 24614520; Galizia et al. 2015. PubMed ID: 25783594; Table S1, Chen et al. 2019. PubMed ID: 31677157). This variant is reported in 0.88% of alleles in individuals of Latino descent in gnomAD; however, the allele frequency of this variant is not reliable in gnomAD due to poor quality metrics at this position. Frameshift variants in CHD2 are expected to be pathogenic. This variant is interpreted as pathogenic.

Institute of Human Genetics, University of Leipzig Medical Center
Classification: Pathogenic for Developmental and epileptic encephalopathy 94. Last evaluated: 2026-02-11. Review status: criteria provided, single submitter. Criteria: ACMG Guidelines, 2015. Collection method: clinical testing. Allele origin: unknown. Inheritance: Autosomal dominant inheritance. Affected: yes.
Comment: Criteria applied: PVS1,PS2,PS4

3billion
Classification: Pathogenic for Developmental and epileptic encephalopathy 94. Last evaluated: 2025-11-16. Review status: criteria provided, single submitter. Criteria: ACMG Guidelines, 2015. Collection method: clinical testing. Allele origin: germline. Affected: yes.
Comment: The variant is observed at an extremely low frequency in the gnomAD v4.1.0 dataset (total allele frequency: 0.231%). However, the frequency information in the gnomAD dataset is considered unreliable, as metrics indicate poor data quality at this position. Predicted Consequence/Location: Frameshift: predicted to result in a loss or disruption of normal protein function through nonsense-mediated decay (NMD) or protein truncation. Multiple pathogenic variants are reported downstream of the variant. The variant has been reported at least twice as pathogenic with clinical assertions and evidence for the classification (ClinVar ID: VCV000218395 /PMID: 24614520). Therefore, this variant is classified as Pathogenic according to the recommendation of ACMG/AMP guideline.

Clinical Genetics Laboratory, Skane University Hospital Lund
Classification: Pathogenic for Developmental and epileptic encephalopathy 94. Last evaluated: 2025-04-07. Review status: criteria provided, single submitter. Criteria: ACMG Guidelines, 2015. Collection method: clinical testing. Allele origin: de novo. Inheritance: Autosomal dominant inheritance. Affected: yes.

Labcorp Genetics (formerly Invitae), Labcorp
Classification: Pathogenic for Developmental and epileptic encephalopathy 94. Last evaluated: 2025-03-30. Review status: criteria provided, single submitter. Criteria: Invitae Variant Classification Sherloc (09022015). Collection method: clinical testing. Allele origin: germline.
Comment: This sequence change creates a premature translational stop signal (p.Gln1392Thrfs*17) in the CHD2 gene. It is expected to result in an absent or disrupted protein product. Loss-of-function variants in CHD2 are known to be pathogenic (PMID: 23708187, 24207121). The frequency data for this variant in the population databases is considered unreliable, as metrics indicate poor data quality at this position in the gnomAD database. This premature translational stop signal has been observed in individual(s) with childhood-onset epileptic encephalopathy or other photosensitive epileptic syndromes (PMID: 24614520, 25783594, 26754451, 31677157). In at least one individual the variant was observed to be de novo. ClinVar contains an entry for this variant (Variation ID: 218395). For these reasons, this variant has been classified as Pathogenic.

Variantyx, Inc.
Classification: Pathogenic for Developmental and epileptic encephalopathy 94. Last evaluated: 2025-03-25. Review status: criteria provided, single submitter. Criteria: Variantyx Assertion Criteria 2022. Collection method: clinical testing. Allele origin: de novo. Affected: yes.
Comment: This is a frameshift variant in the CHD2 gene (OMIM: 602119). Pathogenic variants in this gene have been associated with autosomal dominant developmental and epileptic encephalopathy 94. This variant introduces a premature termination codon in exon 33 out of 39. It is expected to result in loss of function, which is a known disease mechanism for CHD2 in this disorder (PMID: 23708187, 24207121) (PVS1). The maximum allele frequency in non-founder control populations for this variant is considered unreliable, as metrics indicate poor data quality at this position in the gnomAD database. Based on the current evidence, this variant is classified as pathogenic for autosomal dominant developmental and epileptic encephalopathy 94.

Greenwood Genetic Center Diagnostic Laboratories, Greenwood Genetic Center
Classification: Pathogenic for Developmental and epileptic encephalopathy 94. Last evaluated: 2024-11-11. Review status: criteria provided, single submitter. Criteria: ACMG Guidelines, 2015. Collection method: clinical testing. Allele origin: germline. Affected: yes.
Comment: PVS1, PS2, PS4, PM6

Genomic Medicine Center of Excellence, King Faisal Specialist Hospital and Research Centre
Classification: Pathogenic for Developmental and epileptic encephalopathy 94. Last evaluated: 2024-03-26. Review status: criteria provided, single submitter. Criteria: ACMG Guidelines, 2015. Collection method: clinical testing. Allele origin: germline.

GeneDx
Classification: Pathogenic. Last evaluated: 2023-02-17. Review status: criteria provided, single submitter. Criteria: GeneDx Variant Classification Process June 2021. Collection method: clinical testing. Allele origin: germline. Affected: yes.
Comment: Frameshift variant predicted to result in protein truncation or nonsense mediated decay in a gene for which loss-of-function is a known mechanism of disease; This variant is associated with the following publications: (PMID: 26677509, 31677157, 24614520, 25783594, 26754451, 2578359, 33176815)

Revvity Omics, Revvity
Classification: Pathogenic for Developmental and epileptic encephalopathy 94. Last evaluated: 2023-01-30. Review status: criteria provided, single submitter. Criteria: ACMG Guidelines, 2015. Collection method: clinical testing. Allele origin: germline.

Cytogénomique, Hospices Civils de Lyon
Classification: Pathogenic for Autistic behavior; seizures. Last evaluated: 2020-07-24. Review status: criteria provided, single submitter. Criteria: ACMG Guidelines, 2015. Collection method: clinical testing. Allele origin: unknown. Inheritance: Sporadic. Affected: yes. Observed: 1 variant allele, 1 heterozygote.
Comment: Frameshift variant absent from gnomAD v3. Several publications. Sanger confirmed.

Hong-Tao Li Lab, Institute of Brain Science and Brain-inspired Research, Shandong First Medical University & Shandong Academy of Medical Sciences China
Classification: Pathogenic for CHD2-related epilepsy/NDD. Last evaluated: 2026-06-28. Review status: no assertion criteria provided. Collection method: research. Allele origin: germline. Inheritance: Autosomal dominant inheritance. Affected: yes. Observed: 1 variant allele, 1 heterozygote. Not counted in ClinVar's aggregate classification.

Literature cited by the submitters: PubMed 24614520 (cited by 3billion and Labcorp Genetics (formerly Invitae), Labcorp); PubMed 23708187 (cited by Labcorp Genetics (formerly Invitae), Labcorp); PubMed 24207121 (cited by Labcorp Genetics (formerly Invitae), Labcorp); PubMed 25783594 (cited by Labcorp Genetics (formerly Invitae), Labcorp); PubMed 26754451 (cited by Labcorp Genetics (formerly Invitae), Labcorp); PubMed 31677157 (cited by Labcorp Genetics (formerly Invitae), Labcorp).

NM_001271.4(CHD2):c.4173dup (p.Gln1392fs)

Gene: CHD2 (chromodomain helicase DNA binding protein 2; plus strand). Cytogenetic location: 15q26.1.
Variant type: Duplication.
Coding change: c.4173dup on transcript NM_001271.4 (MANE Select); coding-DNA position 4173, one base duplicated (A; older notation c.4173dupA).
Protein change: p.Gln1392fs; shifts the reading frame from glutamine 1392.
Molecular consequence: frameshift variant.
Genome position (GRCh38, 1-based): chr15:93,002,212, A duplicated; the last of 9 consecutive A bases (chr15:93,002,204-93,002,212); duplicating any one gives the same sequence. VCF-style (leftmost placement, unchanged base first): chr15-93002203-G-GA. GRCh37 (hg19) VCF-style: chr15-93545433-G-GA.
Other names: p.Gln1392ThrfsTer17; c.4173dup (NM_001271.3); short protein forms Q1392fs.
Identifiers: ClinVar variation 218395 (VCV000218395.35), dbSNP rs749969667, ClinGen allele CA347828.